The following is an entry in ClinVar:

NM_001378969.1(KCND3):c.1387G>A (p.Glu463Lys)

Gene: KCND3 (potassium voltage-gated channel subfamily D member 3; minus strand). Cytogenetic location: 1p13.2.
Variant type: single nucleotide variant.
Coding change: c.1387G>A on transcript NM_001378969.1 (MANE Select); coding-DNA position 1387, G replaced by A.
Protein change: p.Glu463Lys; replaces glutamic acid 463 with lysine.
Molecular consequence: missense variant.
Genome position (GRCh38, 1-based): chr1:111,780,299, C>T on the plus strand (G>A on the coding strand, the complement: KCND3 is on the minus strand). VCF-style: chr1-111780299-C-T. GRCh37 (hg19) VCF-style: chr1-112322921-C-T.
Other names: c.1387G>A, p.Glu463Lys (NM_001378970.1, NM_004980.5, NM_172198.3); short protein forms E463K.
Identifiers: ClinVar variation 958292 (VCV000958292.11), dbSNP rs1571626257, ClinGen allele CA341658781.

ClinVar aggregate classification (germline): Uncertain significance. Review status: criteria provided, multiple submitters, no conflicts (2 of 4 stars). 3 submissions from 3 submitters: Uncertain significance (3). Last evaluated 2024-01-08.

Conditions:
Spinocerebellar ataxia type 19/22 (SCA19). Also called: SPINOCEREBELLAR ATAXIA 22; SPINOCEREBELLAR ATAXIA 19. Identifiers: Orphanet 98772, MedGen C1846367, MONDO:0011819, OMIM 607346.
Cardiovascular phenotype. Identifiers: MedGen CN230736.

Allele frequency attached by ClinVar (database versions not stated): gnomAD exomes 0.00001; TOPMed 0.00001.
gnomAD v4.1: 14 of 1,574,432 alleles (0.00089%); highest among the groups gnomAD compares: Non-Finnish European, 0.0011%; no homozygotes.

Submissions (3):

Ambry Genetics
Classification: Uncertain significance for Cardiovascular phenotype. Last evaluated: 2024-01-08. Review status: criteria provided, single submitter. Criteria: Ambry Variant Classification Scheme 2023. Collection method: clinical testing. Allele origin: germline.

Labcorp Genetics (formerly Invitae), Labcorp
Classification: Uncertain significance for Spinocerebellar ataxia type 19/22. Last evaluated: 2022-03-19. Review status: criteria provided, single submitter. Criteria: Invitae Variant Classification Sherloc (09022015). Collection method: clinical testing. Allele origin: germline.
Comment: In summary, the available evidence is currently insufficient to determine the role of this variant in disease. Therefore, it has been classified as a Variant of Uncertain Significance. Algorithms developed to predict the effect of missense changes on protein structure and function (SIFT, PolyPhen-2, Align-GVGD) all suggest that this variant is likely to be tolerated. ClinVar contains an entry for this variant (Variation ID: 958292). This variant has not been reported in the literature in individuals affected with KCND3-related conditions. This variant is not present in population databases (gnomAD no frequency). This sequence change replaces glutamic acid, which is acidic and polar, with lysine, which is basic and polar, at codon 463 of the KCND3 protein (p.Glu463Lys).

Athena Diagnostics
Classification: Uncertain significance. Last evaluated: 2021-07-20. Review status: criteria provided, single submitter. Criteria: Athena Diagnostics Criteria. Collection method: clinical testing. Allele origin: unknown.